The following is an entry in ClinVar:

NM_001077365.2(POMT1):c.868C>T (p.Arg290Trp)

Gene: POMT1 (protein O-mannosyltransferase 1; plus strand). Cytogenetic location: 9q34.13.
Variant type: single nucleotide variant.
Coding change: c.868C>T on transcript NM_001077365.2 (MANE Select); coding-DNA position 868, C replaced by T.
Protein change: p.Arg290Trp; replaces arginine 290 with tryptophan.
Molecular consequence: missense variant. On other transcripts: non-coding transcript variant (10).
Genome position (GRCh38, 1-based): chr9:131,511,349, C>T. VCF-style: chr9-131511349-C-T. GRCh37 (hg19) VCF-style: chr9-134386736-C-T.
Other names: c.706C>T, p.Arg236Trp (NM_001077366.2, NM_001353194.2, NM_001374693.1); c.868C>T, p.Arg290Trp (NM_001136113.2, NM_001374690.1); c.517C>T, p.Arg173Trp (NM_001136114.2, NM_001353195.2, NM_001374691.1 and 1 more transcripts); c.934C>T, p.Arg312Trp (NM_001353193.2, NM_007171.4); c.778C>T, p.Arg260Trp (NM_001353196.2); c.772C>T, p.Arg258Trp (NM_001353197.2, NM_001353198.2); c.583C>T, p.Arg195Trp (NM_001353199.2); c.412C>T, p.Arg138Trp (NM_001353200.2); and 2 more; short protein forms R312W, R195W, R173W, R258W, R260W, R138W, R236W, R290W.
Identifiers: ClinVar variation 283451 (VCV000283451.27), dbSNP rs886042627, ClinGen allele CA10604495.
Genomic context (GRCh38, chr9:131,511,349, plus strand): 5'-CATTTTTCTTTCTGTCTCTCACTCATCAACCTTCTGCTTCTGTCTCAGGGAGGACTAGCT[C>T]GGATCACTCAGGGTCAGCCACTGGAGGTGGCCTTTGGGTCCCAGGTCACTCTGAGGAACG-3'
Protein context (NP_001070833.1, residues 280-300): FQASLEGGLA[Arg290Trp]ITQGQPLEVA

ClinVar aggregate classification (germline): Uncertain significance. Review status: criteria provided, multiple submitters, no conflicts (2 of 4 stars). 9 submissions from 9 submitters: Uncertain significance (9). Last evaluated 2025-09-15.

Conditions:
Inborn genetic diseases. Identifiers: MedGen C0950123, MeSH D030342.
POMT1-related disorder. Also called: POMT1-related condition; POMT1-related disorders.
Walker-Warburg congenital muscular dystrophy. Also called: Muscular dystrophy-dystroglycanopathy, type A; Walker-Warburg syndrome. Identifiers: Orphanet 899, MedGen C0265221, MONDO:0000171.
Muscular dystrophy-dystroglycanopathy (congenital with impaired intellectual development), type B, 1. Also called: Muscular dystrophy-dystroglycanopathy (congenital with intellectual disability), type B1; MUSCULAR DYSTROPHY, CONGENITAL, POMT1-RELATED. Identifiers: MedGen C5436962, MONDO:0013159, OMIM 613155.
Autosomal recessive limb-girdle muscular dystrophy type 2K. Also called: MUSCULAR DYSTROPHY-DYSTROGLYCANOPATHY (LIMB-GIRDLE), TYPE C, 1; MUSCULAR DYSTROPHY, LIMB-GIRDLE, TYPE 2K. Identifiers: Orphanet 86812, MedGen C1836373, MONDO:0012248, OMIM 609308.

Allele frequency attached by ClinVar (database versions not stated): gnomAD 0.00005 and 0.00004; gnomAD exomes 0.00001; TOPMed 0.00001.

Submissions (9):

PreventionGenetics, part of Exact Sciences
Classification: Uncertain significance for POMT1-related condition. Last evaluated: 2025-09-15. Review status: criteria provided, single submitter. Criteria: ACMG Guidelines, 2015. Collection method: clinical testing. Allele origin: germline.
Comment: The POMT1 c.934C>T variant is predicted to result in the amino acid substitution p.Arg312Trp. To our knowledge, this variant has not been reported in the literature. This variant is reported in 0.010% of alleles in individuals of East Asian descent in gnomAD. At this time, the clinical significance of this variant is uncertain due to the absence of conclusive functional and genetic evidence.

Labcorp Genetics (formerly Invitae), Labcorp
Classification: Uncertain significance for Muscular dystrophy-dystroglycanopathy (congenital with impaired intellectual development), type B, 1; Walker-Warburg congenital muscular dystrophy; Autosomal recessive limb-girdle muscular dystrophy type 2K. Last evaluated: 2025-06-11. Review status: criteria provided, single submitter. Criteria: Invitae Variant Classification Sherloc (09022015). Collection method: clinical testing. Allele origin: germline.
Comment: This sequence change replaces arginine, which is basic and polar, with tryptophan, which is neutral and slightly polar, at codon 312 of the POMT1 protein (p.Arg312Trp). This variant is present in population databases (no rsID available, gnomAD 0.01%). This variant has not been reported in the literature in individuals affected with POMT1-related conditions. ClinVar contains an entry for this variant (Variation ID: 283451). An algorithm developed to predict the effect of missense changes on protein structure and function (PolyPhen-2) suggests that this variant is likely to be disruptive. In summary, the available evidence is currently insufficient to determine the role of this variant in disease. Therefore, it has been classified as a Variant of Uncertain Significance.

Blueprint Genetics
Classification: Uncertain significance. Last evaluated: 2024-11-04. Review status: criteria provided, single submitter. Criteria: ACMG Guidelines, 2015. Collection method: clinical testing. Allele origin: germline.

Ambry Genetics
Classification: Uncertain significance for Inborn genetic diseases. Last evaluated: 2023-12-15. Review status: criteria provided, single submitter. Criteria: Ambry Variant Classification Scheme 2023. Collection method: clinical testing. Allele origin: germline.

Revvity Omics, Revvity
Classification: Uncertain significance. Last evaluated: 2023-02-08. Review status: criteria provided, single submitter. Criteria: ACMG Guidelines, 2015. Collection method: clinical testing. Allele origin: germline.

Laboratory for Molecular Medicine, Mass General Brigham Personalized Medicine
Classification: Uncertain significance. Last evaluated: 2017-08-31. Review status: criteria provided, single submitter. Criteria: LMM Criteria. Collection method: clinical testing. Allele origin: germline. Observed: 2 variant alleles.
Comment: The p.Arg312Trp variant in POMT1 has not been previously reported in individuals with myopathy but has been identified in 5 /277130 chromosomes by the Genome Ag gregation Database (gnomAD). Computational pre diction tools and conservation analysis suggest that the p.Arg312Trp variant may impact the protein, though this information is not predictive enough to determi ne pathogenicity. In summary, the clinical significance of the p.Arg312Trp varia nt is uncertain.

GeneDx
Classification: Uncertain significance. Last evaluated: 2016-12-19. Review status: criteria provided, single submitter. Criteria: GeneDx Variant Classification (06012015). Collection method: clinical testing. Allele origin: germline. Affected: yes.
Comment: The R312W variant in the POMT1 gene has not been published as a pathogenic variant, nor as a benign variant, to our knowledge. The R312W variant was not observed in approximately 6500 individuals of European and African American ancestry in the NHLBI Exome Sequencing Project, indicating it is not a common benign variant in these populations. The R312W variant is a non-conservative amino acid substitution, which is likely to impact secondary protein structure as these residues differ in polarity, charge, size and/or other properties. This substitution occurs at a position that is conserved across species and in silico analysis predicts this variant is probably damaging to the protein structure/function. Therefore, we interpret R312W as a variant of uncertain significance.

Genetic Services Laboratory, University of Chicago
Classification: Uncertain significance. Last evaluated: 2015-12-28. Review status: criteria provided, single submitter. Criteria: ACMG Guidelines, 2015. Collection method: clinical testing. Allele origin: germline. Affected: no.

Eurofins Ntd Llc (ga)
Classification: Uncertain significance. Last evaluated: 2015-10-22. Review status: criteria provided, single submitter. Criteria: EGL Classification Definitions 2015. Collection method: clinical testing. Allele origin: germline. Observed: 1 variant allele, 1 heterozygote.